The following is an entry in ClinVar:

NM_000218.3(KCNQ1):c.1393+32073TTG[3]

Genes: KCNQ1 (potassium voltage-gated channel subfamily Q member 1; plus strand), KCNQ1OT1 (KCNQ1 opposite strand/antisense transcript 1; minus strand). Cytogenetic location: 11p15.5.
Variant type: Microsatellite.
Coding change: c.1393+32073TTG[3] on transcript NM_000218.3 (MANE Select); three copies in a row of the 3-base unit TTG starting at c.1393+32073.
Molecular consequence: intron variant. On other transcripts: non-coding transcript variant (1).
Genome position: GRCh38 VCF-style: chr11-2620926-TTTG-T. GRCh37 (hg19) VCF-style: chr11-2642156-TTTG-T.
Other names: c.1123+32073TTG[3] (NM_001406837.1); c.1297+32073TTG[3] (NM_001406836.1); c.853+32073TTG[3] (NM_001406838.1); c.1012+32073TTG[3] (NM_181798.2).
Identifiers: ClinVar variation 4873916 (VCV004873916.2).

ClinVar aggregate classification (germline): Likely benign (1 of 4 stars; one submission).

Submission:

CeGaT Center for Human Genetics Tuebingen
Classification: Likely benign. Last evaluated: 2026-09-01. Review status: criteria provided, single submitter. Criteria: CeGaT Center For Human Genetics Tuebingen Variant Classification Criteria Version 2. Collection method: clinical testing. Allele origin: germline. Affected: yes. Observed: 5 variant alleles.
Comment: KCNQ1OT1: BS1